The following is an entry in ClinVar:

ClinVar aggregate classification (germline): Likely benign. Review status: criteria provided, multiple submitters, no conflicts (2 of 4 stars). 2 submissions from 2 submitters: Likely benign (2). Last evaluated 2024-11-19.

Conditions:
TNRC6B-related disorder. Also called: TNRC6B-related condition.
Inborn genetic diseases. Identifiers: MedGen C0950123, MeSH D030342.

Allele frequency attached by ClinVar (database versions not stated): TOPMed 0.00001; gnomAD 0.00005; gnomAD exomes 0.00006; ExAC 0.00011; 1000 Genomes Project 30x 0.00031; 1000 Genomes Project 0.00040.
gnomAD v4.1: 98 of 1,592,010 alleles (0.0062%); highest among the groups gnomAD compares: South Asian, 0.097%; no homozygotes.

Submissions (2):

PreventionGenetics, part of Exact Sciences
Classification: Likely benign for TNRC6B-related condition. Last evaluated: 2024-11-19. Review status: criteria provided, single submitter. Criteria: ACMG Guidelines, 2015. Collection method: clinical testing. Allele origin: germline.
Comment: This variant is classified as likely benign based on ACMG/AMP sequence variant interpretation guidelines (Richards et al. 2015 PMID: 25741868, with internal and published modifications).

Ambry Genetics
Classification: Likely benign for Inborn genetic diseases. Last evaluated: 2021-07-20. Review status: criteria provided, single submitter. Criteria: Ambry Variant Classification Scheme 2023. Collection method: clinical testing. Allele origin: germline.

NM_001162501.2(TNRC6B):c.166A>G (p.Ile56Val)

Gene: TNRC6B (trinucleotide repeat containing adaptor 6B; plus strand). Cytogenetic location: 22q13.1.
Variant type: single nucleotide variant.
Coding change: c.166A>G on transcript NM_001162501.2 (MANE Select); coding-DNA position 166, A replaced by G.
Protein change: p.Ile56Val; replaces isoleucine 56 with valine.
Molecular consequence: missense variant.
Genome position (GRCh38, 1-based): chr22:40,261,882, A>G. VCF-style: chr22-40261882-A-G. GRCh37 (hg19) VCF-style: chr22-40657886-A-G.
Other names: c.274A>G, p.Ile92Val (NM_001024843.2); c.166A>G, p.Ile56Val (NM_015088.3); short protein forms I56V, I92V.
Identifiers: ClinVar variation 2400570 (VCV002400570.3), dbSNP rs577487172, ClinGen allele CA10246453.
Genomic context (GRCh38, chr22:40,261,882, plus strand): 5'-TCTCTTTTAGTGCCCGAAGTGACGAAACCAAGTTTAAGCCAACCAACGGCCGCCAGCCCA[A>G]TTGGCAGCTCTCCATCGCCACCAGTCAATGGTGGCAACAATGCCAAAAGGGTGGCAGTGC-3'
Protein context (NP_001155973.1, residues 46-66): SLSQPTAASP[Ile56Val]GSSPSPPVNG